The following is an entry in ClinVar:

ClinVar aggregate classification (germline): Conflicting classifications of pathogenicity. Review status: criteria provided, conflicting classifications (1 of 4 stars). 2 submissions from 2 submitters: Likely pathogenic (1); Uncertain significance (1). Last evaluated 2024-10-07.

Conditions:
Hereditary cancer-predisposing syndrome. Also called: Hereditary neoplastic syndrome; Hereditary Cancer Syndrome; Neoplastic Syndromes, Hereditary; Tumor predisposition. Identifiers: Orphanet 140162, MedGen C0027672, MeSH D009386, MONDO:0015356.
Ataxia-telangiectasia syndrome (AT). Also called: ATAXIA-TELANGIECTASIA, COMPLEMENTATION GROUP A; ATAXIA-TELANGIECTASIA, FRESNO VARIANT; LOUIS-BAR SYNDROME; Ataxia-telangiectasia, complementation group D; Ataxia-telangiectasia, complementation group E; Cerebello-oculocutaneous telangiectasia. Identifiers: Orphanet 100, MedGen C0004135, MONDO:0008840, OMIM 208900.

Submissions (2):

Labcorp Genetics (formerly Invitae), Labcorp
Classification: Likely pathogenic for Ataxia-telangiectasia syndrome. Last evaluated: 2024-10-07. Review status: criteria provided, single submitter. Criteria: Invitae Variant Classification Sherloc (09022015). Collection method: clinical testing. Allele origin: germline.
Comment: This sequence change falls in intron 27 of the ATM gene. It does not directly change the encoded amino acid sequence of the ATM protein. RNA analysis indicates that this variant induces altered splicing and may result in an absent or altered protein product. This variant is not present in population databases (gnomAD no frequency). This variant has not been reported in the literature in individuals affected with ATM-related conditions. Variants that disrupt the consensus splice site are a relatively common cause of aberrant splicing (PMID: 17576681, 9536098). Studies have shown that this variant results in activation of a cryptic splice site, and produces a non-functional protein and/or introduces a premature termination codon (internal data). In summary, the currently available evidence indicates that the variant is pathogenic, but additional data are needed to prove that conclusively. Therefore, this variant has been classified as Likely Pathogenic.

Color Diagnostics, LLC DBA Color Health
Classification: Uncertain significance for Hereditary cancer-predisposing syndrome. Last evaluated: 2024-08-07. Review status: criteria provided, single submitter. Criteria: ACMG Guidelines, 2015. Collection method: clinical testing. Allele origin: germline.
Comment: This variant inserts one nucleotide at the +2 position in intron 27 of the ATM gene. Splice site prediction tools suggest that this variant may have a significant impact on RNA splicing, although this prediction has not been confirmed in published RNA studies. This variant has not been reported in individuals affected with ATM-related disorders in the literature. Another variant in the same splice site (c.4109+5G>A) is reported as Likely pathogenic in ClinVar (Variation ID: 838766) and has been observed in ataxia-telangiectasia patients (PMID: 28126470), suggesting this variant may also be clinically significant. This variant has not been identified in the general population by the Genome Aggregation Database (gnomAD). The available evidence is insufficient to determine the role of this variant in disease conclusively. Therefore, this variant is classified as a Variant of Uncertain Significance.

Literature cited by the submitters: PubMed 17576681 (cited by Labcorp Genetics (formerly Invitae), Labcorp); PubMed 9536098 (cited by Labcorp Genetics (formerly Invitae), Labcorp); PubMed 28126470 (cited by Color Diagnostics, LLC DBA Color Health).

NM_000051.4(ATM):c.4109+2dup

Gene: ATM (ATM serine/threonine kinase; plus strand). Cytogenetic location: 11q22.3.
Variant type: Duplication.
Coding change: c.4109+2dup on transcript NM_000051.4 (MANE Select); the canonical splice donor site of the intron after coding-DNA position 4109, one base duplicated (T; older notation c.4109+2dupT).
Molecular consequence: splice donor variant.
Genome position (GRCh38, 1-based): chr11:108,287,717, T duplicated. VCF-style (leftmost placement, unchanged base first): chr11-108287716-G-GT. GRCh37 (hg19) VCF-style: chr11-108158443-G-GT.
Other names: c.4109+2dup (NM_001351834.2).
Identifiers: ClinVar variation 3650983 (VCV003650983.3).